The following is an entry in ClinVar:

NM_022095.4(ZNF335):c.2218C>G (p.Pro740Ala)

Gene: ZNF335 (zinc finger protein 335; minus strand). Cytogenetic location: 20q13.12.
Variant type: single nucleotide variant.
Coding change: c.2218C>G on transcript NM_022095.4 (MANE Select); coding-DNA position 2218, C replaced by G.
Protein change: p.Pro740Ala; replaces proline 740 with alanine.
Molecular consequence: missense variant.
Genome position (GRCh38, 1-based): chr20:45,959,236, G>C on the plus strand (C>G on the coding strand, the complement: ZNF335 is on the minus strand). VCF-style: chr20-45959236-G-C. GRCh37 (hg19) VCF-style: chr20-44587875-G-C.
Other names: short protein forms P740A.
Identifiers: ClinVar variation 1400009 (VCV001400009.6), dbSNP rs2145383677, ClinGen allele CA409244119.

ClinVar aggregate classification (germline): Uncertain significance (1 of 4 stars; one submission).

gnomAD v4.1: 1 of 1,443,554 alleles (0.000069%); no homozygotes.

Submission:

Labcorp Genetics (formerly Invitae), Labcorp
Classification: Uncertain significance. Last evaluated: 2021-12-02. Review status: criteria provided, single submitter. Criteria: Invitae Variant Classification Sherloc (09022015). Collection method: clinical testing. Allele origin: germline.
Comment: This sequence change replaces proline, which is neutral and non-polar, with alanine, which is neutral and non-polar, at codon 740 of the ZNF335 protein (p.Pro740Ala). In summary, the available evidence is currently insufficient to determine the role of this variant in disease. Therefore, it has been classified as a Variant of Uncertain Significance. Algorithms developed to predict the effect of missense changes on protein structure and function (SIFT, PolyPhen-2, Align-GVGD) all suggest that this variant is likely to be tolerated. This variant has not been reported in the literature in individuals affected with ZNF335-related conditions. This variant is not present in population databases (gnomAD no frequency).